The following is an entry in ClinVar:

ClinVar aggregate classification (germline): Uncertain significance (1 of 4 stars; one submission).

Conditions:
Neonatal-onset encephalopathy with rigidity and seizures. Also called: Lethal neonatal spasticity-epileptic encephalopathy syndrome. Identifiers: Orphanet 435845, MedGen C3281029, MONDO:0013784, OMIM 614498.

Submission:

Labcorp Genetics (formerly Invitae), Labcorp
Classification: Uncertain significance for Neonatal-onset encephalopathy with rigidity and seizures. Last evaluated: 2021-06-18. Review status: criteria provided, single submitter. Criteria: Invitae Variant Classification Sherloc (09022015). Collection method: clinical testing. Allele origin: germline.
Comment: This sequence change replaces glutamic acid with glycine at codon 43 of the BRAT1 protein (p.Glu43Gly). The glutamic acid residue is moderately conserved and there is a moderate physicochemical difference between glutamic acid and glycine. In summary, the available evidence is currently insufficient to determine the role of this variant in disease. Therefore, it has been classified as a Variant of Uncertain Significance. Algorithms developed to predict the effect of missense changes on protein structure and function output the following: SIFT: "Tolerated"; PolyPhen-2: "Benign"; Align-GVGD: "Class C0". The glycine amino acid residue is found in multiple mammalian species, suggesting that this missense change does not adversely affect protein function. These predictions have not been confirmed by published functional studies and their clinical significance is uncertain. This variant has not been reported in the literature in individuals with BRAT1-related conditions. This variant is not present in population databases (ExAC no frequency).

NM_152743.4(BRAT1):c.128A>G (p.Glu43Gly)

Gene: BRAT1 (BRCA1 associated ATM activator 1; minus strand). Cytogenetic location: 7p22.3.
Variant type: single nucleotide variant.
Coding change: c.128A>G on transcript NM_152743.4 (MANE Select); coding-DNA position 128, A replaced by G.
Protein change: p.Glu43Gly; replaces glutamic acid 43 with glycine.
Molecular consequence: missense variant. On other transcripts: 5 prime UTR variant (1), non-coding transcript variant (1).
Genome position (GRCh38, 1-based): chr7:2,547,478, T>C on the plus strand (A>G on the coding strand, the complement: BRAT1 is on the minus strand). VCF-style: chr7-2547478-T-C. GRCh37 (hg19) VCF-style: chr7-2587112-T-C.
Other names: c.128A>G, p.Glu43Gly (NM_001350626.2); c.-250A>G (NM_001350627.2); short protein forms E43G.
Identifiers: ClinVar variation 1362084 (VCV001362084.6), dbSNP rs2128403707, ClinGen allele CA366633375.
Genomic context (GRCh38, chr7:2,547,478, plus strand): 5'-AGCACATGGGACAGCAGCTCCACCAGGCAGGGGTGCTCCTGCAGCAGCACGACACTGGAC[T>C]CTGTGGGGATGGCCCAGCCCAGGGGTCACCAGGGGTACGGCACCAGGTGTCCCCCTGGAT-3'
Protein context (NP_689956.2, residues 33-53): LDWFKTVTEG[Glu43Gly]SSVVLLQEHP